The following is an entry in ClinVar:

ClinVar aggregate classification (germline): Benign. Review status: criteria provided, multiple submitters, no conflicts (2 of 4 stars). 13 submissions from 12 submitters: Benign (10). 3 of the submissions do not count toward it. Last evaluated 2026-02-03.

Conditions:
Lateral meningocele syndrome (LMNS). Also called: NOTCH3-Related Lateral Meningocele Syndrome. Identifiers: Orphanet 2789, MedGen C1851710, MONDO:0007537, OMIM 130720.
Cerebral arteriopathy, autosomal dominant, with subcortical infarcts and leukoencephalopathy, type 1 (CADASIL1). Also called: CASIL; Cerebral arteriopathy with subcortical infarcts and leukoencephalopathy 1; DEMENTIA, HEREDITARY MULTIINFARCT TYPE; CADASIL 1. Identifiers: Orphanet 136, MedGen C4551768, MONDO:0000914, OMIM 125310.

Allele frequency attached by ClinVar (database versions not stated): 1000 Genomes Project 0.86901; 1000 Genomes Project 30x 0.87477; TOPMed 0.89517; gnomAD 0.90162 and 0.90632; ESP Exome Variant Server 0.92327.
gnomAD v4.1: 1,439,261 of 1,612,158 alleles (89%); highest among the groups gnomAD compares: African/African-American, 98%; 644,165 homozygotes.

Submissions (13):

Labcorp Genetics (formerly Invitae), Labcorp
Classification: Benign. Last evaluated: 2026-02-03. Review status: criteria provided, single submitter. Criteria: Invitae Variant Classification Sherloc (09022015). Collection method: clinical testing. Allele origin: germline.

Blueprint Genetics
Classification: Benign. Last evaluated: 2024-11-28. Review status: criteria provided, single submitter. Criteria: ACMG Guidelines, 2015. Collection method: clinical testing. Allele origin: germline.

Mayo Clinic Laboratories, Mayo Clinic
Classification: Benign. Last evaluated: 2022-04-26. Review status: criteria provided, single submitter. Criteria: ACMG Guidelines, 2015. Collection method: clinical testing. Allele origin: germline. Observed: 3,024 variant alleles.

Genome-Nilou Lab
Classification: Benign for Cerebral arteriopathy, autosomal dominant, with subcortical infarcts and leukoencephalopathy, type 1. Last evaluated: 2021-09-05. Review status: criteria provided, single submitter. Criteria: ACMG Guidelines, 2015. Collection method: clinical testing. Allele origin: germline. Affected: no.

Genome-Nilou Lab
Classification: Benign for Lateral meningocele syndrome. Last evaluated: 2021-09-05. Review status: criteria provided, single submitter. Criteria: ACMG Guidelines, 2015. Collection method: clinical testing. Allele origin: germline. Affected: no.

ARUP Laboratories, Molecular Genetics and Genomics, ARUP Laboratories
Classification: Benign. Last evaluated: 2021-01-14. Review status: criteria provided, single submitter. Criteria: ARUP Molecular Germline Variant Investigation Process 2021. Collection method: clinical testing. Allele origin: germline.

GeneDx
Classification: Benign. Last evaluated: 2019-09-25. Review status: criteria provided, single submitter. Criteria: GeneDx Variant Classification Process June 2021. Collection method: clinical testing. Allele origin: germline. Affected: yes.

Illumina Laboratory Services, Illumina
Classification: Benign for Cerebral arteriopathy, autosomal dominant, with subcortical infarcts and leukoencephalopathy, type 1. Last evaluated: 2018-01-12. Review status: criteria provided, single submitter. Criteria: ICSL Variant Classification Criteria 13 December 2019. Collection method: clinical testing. Allele origin: germline.
Comment: This variant was observed in the ICSL laboratory as part of a predisposition screen in an ostensibly healthy population. It had not been previously curated by ICSL or reported in the Human Gene Mutation Database (HGMD: prior to June 1st, 2018), and was therefore a candidate for classification through an automated scoring system. Utilizing variant allele frequency, disease prevalence and penetrance estimates, and inheritance mode, an automated score was calculated to assess if this variant is too frequent to cause the disease. Based on the score and internal cut-off values, a variant classified as benign is not then subjected to further curation. The score for this variant resulted in a classification of benign for this disease.

Breakthrough Genomics
Classification: Benign. Review status: criteria provided, single submitter. Criteria: ACMG Guidelines, 2015. Collection method: not provided. Allele origin: germline. Inheritance: Autosomal dominant inheritance. Affected: yes.

PreventionGenetics, part of Exact Sciences
Classification: Benign. Review status: criteria provided, single submitter. Criteria: ACMG Guidelines, 2015. Collection method: clinical testing. Allele origin: germline.

Clinical Genetics DNA and cytogenetics Diagnostics Lab, Erasmus MC, Erasmus Medical Center
Classification: Benign. Review status: no assertion criteria provided. Collection method: clinical testing. Allele origin: germline. Affected: yes. Study: VKGL Data-share Consensus. Not counted in ClinVar's aggregate classification.

Diagnostic Laboratory, Department of Genetics, University Medical Center Groningen
Classification: Benign. Review status: no assertion criteria provided. Collection method: clinical testing. Allele origin: germline. Affected: yes. Study: VKGL Data-share Consensus. Not counted in ClinVar's aggregate classification.

Genome Diagnostics Laboratory, Amsterdam University Medical Center
Classification: Benign. Review status: no assertion criteria provided. Collection method: clinical testing. Allele origin: germline. Affected: yes. Study: VKGL Data-share Consensus. Not counted in ClinVar's aggregate classification.

NM_000435.3(NOTCH3):c.5816-8T>C

Gene: NOTCH3 (notch receptor 3; minus strand). Cytogenetic location: 19p13.12.
Variant type: single nucleotide variant.
Coding change: c.5816-8T>C on transcript NM_000435.3 (MANE Select); 8 bases into the intron before coding-DNA position 5816, T replaced by C.
Molecular consequence: intron variant.
Genome position (GRCh38, 1-based): chr19:15,162,570, A>G on the plus strand (T>C on the coding strand, the complement: NOTCH3 is on the minus strand). VCF-style: chr19-15162570-A-G. GRCh37 (hg19) VCF-style: chr19-15273381-A-G.
Other names: p.?.
Identifiers: ClinVar variation 256145 (VCV000256145.34), dbSNP rs4809030, ClinGen allele CA9262518.